The following is an entry in ClinVar:

ClinVar aggregate classification (germline): Uncertain significance. Review status: criteria provided, multiple submitters, no conflicts (2 of 4 stars). 2 submissions from 2 submitters: Uncertain significance (2). Last evaluated 2025-04-09.

Conditions:
Hereditary cancer-predisposing syndrome. Also called: Neoplastic Syndromes, Hereditary; Tumor predisposition; Hereditary Cancer Syndrome; Hereditary neoplastic syndrome. Identifiers: Orphanet 140162, MedGen C0027672, MeSH D009386, MONDO:0015356.
Parathyroid carcinoma (PRTC). Also called: Parathyroid gland carcinoma; CDC73-Related Parathyroid Carcinoma. Identifiers: Orphanet 143, MedGen C0687150, MONDO:0012004, OMIM 608266, HP:0006780.

Submissions (2):

Labcorp Genetics (formerly Invitae), Labcorp
Classification: Uncertain significance for Parathyroid carcinoma. Last evaluated: 2025-04-09. Review status: criteria provided, single submitter. Criteria: Invitae Variant Classification Sherloc (09022015). Collection method: clinical testing. Allele origin: germline.
Comment: This sequence change replaces methionine, which is neutral and non-polar, with threonine, which is neutral and polar, at codon 374 of the CDC73 protein (p.Met374Thr). This variant is not present in population databases (gnomAD no frequency). This variant has not been reported in the literature in individuals affected with CDC73-related conditions. ClinVar contains an entry for this variant (Variation ID: 1797962). Invitae Evidence Modeling of protein sequence and biophysical properties (such as structural, functional, and spatial information, amino acid conservation, physicochemical variation, residue mobility, and thermodynamic stability) indicates that this missense variant is not expected to disrupt CDC73 protein function with a negative predictive value of 80%. In summary, the available evidence is currently insufficient to determine the role of this variant in disease. Therefore, it has been classified as a Variant of Uncertain Significance.

Ambry Genetics
Classification: Uncertain significance for Hereditary cancer-predisposing syndrome. Last evaluated: 2022-01-07. Review status: criteria provided, single submitter. Criteria: Ambry Variant Classification Scheme 2023. Collection method: clinical testing. Allele origin: germline.
Comment: The p.M374T variant (also known as c.1121T>C), located in coding exon 13 of the CDC73 gene, results from a T to C substitution at nucleotide position 1121. The methionine at codon 374 is replaced by threonine, an amino acid with similar properties. This amino acid position is conserved. In addition, this alteration is predicted to be deleterious by in silico analysis. Since supporting evidence is limited at this time, the clinical significance of this alteration remains unclear.

NM_024529.5(CDC73):c.1121T>C (p.Met374Thr)

Gene: CDC73 (cell division cycle 73; plus strand). Cytogenetic location: 1q31.2.
Variant type: single nucleotide variant.
Coding change: c.1121T>C on transcript NM_024529.5 (MANE Select); coding-DNA position 1121, T replaced by C.
Protein change: p.Met374Thr; replaces methionine 374 with threonine.
Molecular consequence: missense variant.
Genome position (GRCh38, 1-based): chr1:193,212,444, T>C. VCF-style: chr1-193212444-T-C. GRCh37 (hg19) VCF-style: chr1-193181574-T-C.
Other names: short protein forms M374T.
Identifiers: ClinVar variation 1797962 (VCV001797962.3), dbSNP rs2527456781, ClinGen allele CA344077619.